The following is an entry in ClinVar:

ClinVar aggregate classification (germline): Uncertain significance. Review status: criteria provided, multiple submitters, no conflicts (2 of 4 stars). 6 submissions from 6 submitters: Uncertain significance (6). Last evaluated 2025-05-23.

Conditions:
Inborn genetic diseases. Identifiers: MedGen C0950123, MeSH D030342.
Ehlers-Danlos syndrome, musculocontractural type 2 (EDSMC2). Identifiers: Orphanet 2953, MedGen C3809845, MONDO:0014236, OMIM 615539.
Ehlers-Danlos syndrome (EDS). Identifiers: Orphanet 98249, MedGen C0013720, MONDO:0020066.

Allele frequency attached by ClinVar (database versions not stated): gnomAD 0.00001; TOPMed 0.00001; gnomAD exomes 0.00003 and below 0.00001.
gnomAD v4.1: 45 of 1,613,560 alleles (0.0028%); highest among the groups gnomAD compares: Non-Finnish European, 0.0038%; no homozygotes.

Submissions (6):

Women's Health and Genetics/Laboratory Corporation of America, LabCorp
Classification: Uncertain significance. Last evaluated: 2025-05-23. Review status: criteria provided, single submitter. Criteria: LabCorp Variant Classification Summary - May 2015. Collection method: clinical testing. Allele origin: germline.
Comment: Variant summary: DSE c.1609A>T (p.Ile537Phe) results in a non-conservative amino acid change in the encoded protein sequence. Algorithms developed to predict the effect of missense changes on protein structure and function are either unavailable or do not agree on the potential impact of this missense change. The variant allele was found at a frequency of 4e-06 in 251250 control chromosomes. The available data on variant occurrences in the general population are insufficient to allow any conclusion about variant significance. To our knowledge, no occurrence of c.1609A>T in individuals affected with Ehlers-Danlos syndrome, musculocontractural type 2 and no experimental evidence demonstrating its impact on protein function have been reported. ClinVar contains an entry for this variant (Variation ID: 1491434). Based on the evidence outlined above, the variant was classified as uncertain significance.

GeneDx
Classification: Uncertain significance. Last evaluated: 2024-07-03. Review status: criteria provided, single submitter. Criteria: GeneDx Variant Classification Process June 2021. Collection method: clinical testing. Allele origin: germline. Affected: yes.
Comment: Not observed at significant frequency in large population cohorts (gnomAD); In silico analysis indicates that this missense variant does not alter protein structure/function; Has not been previously published as pathogenic or benign to our knowledge

Mayo Clinic Laboratories, Mayo Clinic
Classification: Uncertain significance. Last evaluated: 2023-11-10. Review status: criteria provided, single submitter. Criteria: ACMG Guidelines, 2015. Collection method: clinical testing. Allele origin: germline. Observed: 1 variant allele.
Comment: BP4, PM2

Ambry Genetics
Classification: Uncertain significance for Inborn genetic diseases. Last evaluated: 2023-04-13. Review status: criteria provided, single submitter. Criteria: Ambry Variant Classification Scheme 2023. Collection method: clinical testing. Allele origin: germline.

Labcorp Genetics (formerly Invitae), Labcorp
Classification: Uncertain significance for Ehlers-Danlos syndrome, musculocontractural type 2. Last evaluated: 2022-07-28. Review status: criteria provided, single submitter. Criteria: Invitae Variant Classification Sherloc (09022015). Collection method: clinical testing. Allele origin: germline.
Comment: In summary, the available evidence is currently insufficient to determine the role of this variant in disease. Therefore, it has been classified as a Variant of Uncertain Significance. Algorithms developed to predict the effect of missense changes on protein structure and function are either unavailable or do not agree on the potential impact of this missense change (SIFT: "Not Available"; PolyPhen-2: "Probably Damaging"; Align-GVGD: "Not Available"). ClinVar contains an entry for this variant (Variation ID: 1491434). This variant has not been reported in the literature in individuals affected with DSE-related conditions. This variant is present in population databases (no rsID available, gnomAD 0.0009%). This sequence change replaces isoleucine, which is neutral and non-polar, with phenylalanine, which is neutral and non-polar, at codon 537 of the DSE protein (p.Ile537Phe).

Genome Diagnostics Laboratory, The Hospital for Sick Children
Classification: Uncertain significance for Ehlers-Danlos syndrome. Last evaluated: 2021-05-14. Review status: criteria provided, single submitter. Criteria: ACMG Guidelines, 2015. Collection method: clinical testing. Allele origin: germline.

NM_013352.4(DSE):c.1609A>T (p.Ile537Phe)

Gene: DSE (dermatan sulfate epimerase; plus strand). Cytogenetic location: 6q22.1.
Variant type: single nucleotide variant.
Coding change: c.1609A>T on transcript NM_013352.4 (MANE Select); coding-DNA position 1609, A replaced by T.
Protein change: p.Ile537Phe; replaces isoleucine 537 with phenylalanine.
Molecular consequence: missense variant. On other transcripts: 3 prime UTR variant (2), non-coding transcript variant (1).
Genome position (GRCh38, 1-based): chr6:116,436,077, A>T. VCF-style: chr6-116436077-A-T. GRCh37 (hg19) VCF-style: chr6-116757240-A-T.
Other names: p.Ile537Phe; c.1609A>T, p.Ile537Phe (NM_001080976.3, NM_001322937.2, NM_001322938.2); c.1666A>T, p.Ile556Phe (NM_001322939.2); c.1048A>T, p.Ile350Phe (NM_001322940.2, NM_001322941.2); c.*474A>T (NM_001322943.2, NM_001322944.2); c.610A>T, p.Ile204Phe (NM_001374520.1); c.574A>T, p.Ile192Phe (NM_001374521.1); c.1609A>T (NM_013352.2); short protein forms I192F, I350F, I204F, I537F, I556F.
Identifiers: ClinVar variation 1491434 (VCV001491434.13), dbSNP rs1213902929, ClinGen allele CA365402453.